The following is an entry in ClinVar:

ClinVar aggregate classification (germline): Pathogenic (1 of 4 stars; one submission).

Conditions:
Hereditary cancer-predisposing syndrome. Also called: Neoplastic Syndromes, Hereditary; Tumor predisposition; Hereditary Cancer Syndrome; Hereditary neoplastic syndrome. Identifiers: Orphanet 140162, MedGen C0027672, MeSH D009386, MONDO:0015356.

Submission:

Ambry Genetics
Classification: Pathogenic for Hereditary cancer-predisposing syndrome. Last evaluated: 2018-02-05. Review status: criteria provided, single submitter. Criteria: Ambry Variant Classification Scheme 2023. Collection method: clinical testing. Allele origin: germline.
Comment: The c.2252delC pathogenic mutation, located in coding exon 5 of the PALB2 gene, results from a deletion of one nucleotide at nucleotide position 2252, causing a translational frameshift with a predicted alternate stop codon (p.A751Vfs*13). This alteration is expected to result in loss of function by premature protein truncation or nonsense-mediated mRNA decay. As such, this alteration is interpreted as a disease-causing mutation.

NM_024675.4(PALB2):c.2252del (p.Ala751fs)

Gene: PALB2 (partner and localizer of BRCA2; minus strand). Cytogenetic location: 16p12.2.
Variant type: Deletion.
Coding change: c.2252del on transcript NM_024675.4 (MANE Select); coding-DNA position 2252, one base deleted (C; older notation c.2252delC).
Protein change: p.Ala751fs; shifts the reading frame from alanine 751.
Molecular consequence: frameshift variant.
Genome position (GRCh38, 1-based): chr16:23,629,902, G deleted on the plus strand (C on the coding strand, the reverse complement: PALB2 is on the minus strand). VCF-style (leftmost placement, unchanged base first): chr16-23629901-AG-A. GRCh37 (hg19) VCF-style: chr16-23641222-AG-A.
Other names: c.2192delC, p.Ala731Valfs (NM_001407296.1); c.2252delC, p.Ala751Valfs (NM_001407297.1, NM_001407298.1, NM_001407299.1 and 3 more transcripts); c.1367delC, p.Ala456Valfs (NM_001407304.1, NM_001407305.1, NM_001407306.1 and 5 more transcripts); c.464delC, p.Ala155Valfs (NM_001407312.1, NM_001407313.1); short protein forms A751fs.
Identifiers: ClinVar variation 1788457 (VCV001788457.2), dbSNP rs2506415158, ClinGen allele CA2580091354.